The following is an entry in ClinVar:

ClinVar aggregate classification (germline): Uncertain significance (1 of 4 stars; one submission).

Conditions:
Familial intrahepatic cholestasis. Identifiers: Orphanet 284385, MedGen CN296401, MONDO:0017290.
Low phospholipid associated cholelithiasis (GBD1). Also called: Gallbladder disease 1; Gallstone cholecystitis. Identifiers: Orphanet 69663, MedGen C2609268, MONDO:0010939, OMIM 600803.

Submission:

Genomenon, Inc
Classification: Uncertain significance for Familial intrahepatic cholestasis; Low phospholipid associated cholelithiasis. Last evaluated: 2026-04-14. Review status: criteria provided, single submitter. Criteria: Genomenon Sequence Variant Interpretation Standards - Updated. Collection method: curation. Allele origin: germline. Affected: no.
Comment: ABCB4 p.Asn1238Ser (c.3713A>G) is a missense variant that changes the amino acid at residue 1238 from Asparagine to Serine. This variant has been reported in the published literature (PMID:37208429). It is absent or not present at a significant frequency in gnomAD. In silico models predict that this variant is not damaging. In conclusion, we classify ABCB4 p.Asn1238Ser (c.3713A>G) as a variant of uncertain significance.

Literature cited by the submitters: PubMed 37208429.

NM_000443.4(ABCB4):c.3713A>G (p.Asn1238Ser)

Gene: ABCB4 (ATP binding cassette subfamily B member 4; minus strand). Cytogenetic location: 7q21.12.
Variant type: single nucleotide variant.
Coding change: c.3713A>G on transcript NM_000443.4 (MANE Select); coding-DNA position 3713, A replaced by G.
Protein change: p.Asn1238Ser; replaces asparagine 1238 with serine.
Molecular consequence: missense variant.
Genome position (GRCh38, 1-based): chr7:87,402,223, T>C on the plus strand (A>G on the coding strand, the complement: ABCB4 is on the minus strand). VCF-style: chr7-87402223-T-C. GRCh37 (hg19) VCF-style: chr7-87031539-T-C.
Other names: c.3734A>G, p.Asn1245Ser (NM_018849.3); c.3572A>G, p.Asn1191Ser (NM_018850.3); short protein forms N1191S, N1238S, N1245S.
Identifiers: ClinVar variation 4846564 (VCV004846564.1).